The following is an entry in ClinVar:

NM_001290043.2(TAP2):c.958del (p.Glu320fs)

Gene: TAP2 (transporter 2, ATP binding cassette subfamily B member; minus strand). Cytogenetic location: 6p21.32.
Variant type: Deletion.
Coding change: c.958del on transcript NM_001290043.2 (MANE Select); coding-DNA position 958, one base deleted (G; older notation c.958delG).
Protein change: p.Glu320fs; shifts the reading frame from glutamic acid 320.
Molecular consequence: frameshift variant.
Genome position (GRCh38, 1-based): chr6:32,832,812, C deleted on the plus strand (G on the coding strand, the reverse complement: TAP2 is on the minus strand); the first of 3 consecutive C bases (chr6:32,832,812-32,832,814); deleting any one gives the same sequence. VCF-style (leftmost placement, unchanged base first): chr6-32832811-TC-T. GRCh37 (hg19) VCF-style: chr6-32800588-TC-T.
Other names: c.958del, p.Glu320fs (NM_000544.3, NM_018833.3); short protein forms E320fs.
Identifiers: ClinVar variation 571072 (VCV000571072.6), dbSNP rs1562331529, ClinGen allele CA891842508.

ClinVar aggregate classification (germline): Pathogenic (1 of 4 stars; one submission).

Conditions:
MHC class I deficiency. Identifiers: Orphanet 34592, MedGen C6024714, MONDO:0011476.

Submission:

Labcorp Genetics (formerly Invitae), Labcorp
Classification: Pathogenic for MHC class I deficiency 1. Last evaluated: 2017-10-27. Review status: criteria provided, single submitter. Criteria: Invitae Variant Classification Sherloc (09022015). Collection method: clinical testing. Allele origin: germline.
Comment: For these reasons, this variant has been classified as Pathogenic. Loss-of-function variants in TAP2 are known to be pathogenic (PMID: 7517574, 11529920, 12067308, 23662797). This variant has not been reported in the literature in individuals with TAP2-related disease. This variant is not present in population databases (ExAC no frequency). This sequence change creates a premature translational stop signal (p.Glu320Argfs*60) in the TAP2 gene. It is expected to result in an absent or disrupted protein product.

Literature cited by the submitters: PubMed 7517574; PubMed 11529920; PubMed 12067308; PubMed 23662797.